The following is an entry in ClinVar:

NC_000023.10:g.(?_32563256)_(32591983_?)del

Gene: DMD (dystrophin; minus strand). Cytogenetic location: Xp21.1.
Variant type: Deletion.
Identifiers: ClinVar variation 1457521 (VCV001457521.8).

ClinVar aggregate classification (germline): Pathogenic (1 of 4 stars; one submission).

Conditions:
Duchenne muscular dystrophy (DMD). Also called: Duchenne Muscular Dystrophy (DMD); MUSCULAR DYSTROPHY, PSEUDOHYPERTROPHIC PROGRESSIVE, DUCHENNE TYPE. Identifiers: Orphanet 98896, MedGen C0013264, MONDO:0010679, OMIM 310200.

Submission:

Labcorp Genetics (formerly Invitae), Labcorp
Classification: Pathogenic for Duchenne muscular dystrophy. Last evaluated: 2022-07-05. Review status: criteria provided, single submitter. Criteria: Invitae Variant Classification Sherloc (09022015). Collection method: clinical testing. Allele origin: germline.
Comment: A similar copy number variant has been observed in individual(s) with Duchenne muscular dystrophy (PMID: 15723292). For these reasons, this variant has been classified as Pathogenic. This variant is a gross deletion of the genomic region encompassing exon(s) 14-17 of the DMD gene. This deletion is out-of-frame, and is expected to create a premature termination codon and result in an absent or disrupted protein product. Loss-of-function variants in DMD are known to be pathogenic (PMID: 16770791, 25007885).

Literature cited by the submitters: PubMed 15723292; PubMed 16770791; PubMed 25007885.